The following is an entry in ClinVar:

ClinVar aggregate classification (germline): Conflicting classifications of pathogenicity. Review status: criteria provided, conflicting classifications (1 of 4 stars). 4 submissions from 4 submitters: Uncertain significance (3); Likely benign (1). Last evaluated 2025-07-31.

Conditions:
Inborn genetic diseases. Identifiers: MedGen C0950123, MeSH D030342.
Mosaic variegated aneuploidy syndrome 1 (MVA1). Also called: Warburton-Anyane-Yeboa syndrome. Identifiers: Orphanet 1052, MedGen C1850343, MONDO:0009759, OMIM 257300.
Colorectal cancer. Also called: Malignant Colorectal Neoplasm; Colorectal cancer, somatic. Identifiers: MedGen C0346629, MONDO:0005575, OMIM 114500.
Premature chromatid separation trait (PCS). Also called: TOTAL PREMATURE CHROMATID SEPARATION TRAIT. Identifiers: MedGen C1864389, MONDO:0008304, OMIM 176430.

Allele frequency attached by ClinVar (database versions not stated): gnomAD exomes 0.00001 and 0.00008; ExAC 0.00002; gnomAD 0.00003 and 0.00004; TOPMed 0.00004; ESP Exome Variant Server 0.00015.
gnomAD v4.1: 127 of 1,614,076 alleles (0.0079%); highest among the groups gnomAD compares: Non-Finnish European, 0.01%; no homozygotes.

Submissions (4):

Labcorp Genetics (formerly Invitae), Labcorp
Classification: Uncertain significance for Mosaic variegated aneuploidy syndrome 1. Last evaluated: 2025-07-31. Review status: criteria provided, single submitter. Criteria: Invitae Variant Classification Sherloc (09022015). Collection method: clinical testing. Allele origin: germline.
Comment: This sequence change replaces glutamine, which is neutral and polar, with arginine, which is basic and polar, at codon 181 of the BUB1B protein (p.Gln181Arg). This variant is present in population databases (rs375798678, gnomAD 0.003%). This variant has not been reported in the literature in individuals affected with BUB1B-related conditions. ClinVar contains an entry for this variant (Variation ID: 465378). An algorithm developed to predict the effect of missense changes on protein structure and function outputs the following: PolyPhen-2: "Benign". The arginine amino acid residue is found in multiple mammalian species, which suggests that this missense change does not adversely affect protein function. In summary, the available evidence is currently insufficient to determine the role of this variant in disease. Therefore, it has been classified as a Variant of Uncertain Significance.

Molecular Pathology, Peter Maccallum Cancer Centre
Classification: Uncertain significance for Mosaic variegated aneuploidy syndrome 1. Last evaluated: 2024-04-15. Review status: criteria provided, single submitter. Criteria: ACMG Guidelines, 2015. Collection method: clinical testing. Allele origin: germline. Inheritance: Autosomal recessive inheritance.

Fulgent Genetics
Classification: Uncertain significance for Colorectal cancer; Premature chromatid separation trait; Mosaic variegated aneuploidy syndrome 1. Last evaluated: 2023-12-28. Review status: criteria provided, single submitter. Criteria: ACMG Guidelines, 2015. Collection method: clinical testing. Allele origin: germline.

Ambry Genetics
Classification: Likely benign for Inborn genetic diseases. Last evaluated: 2022-09-11. Review status: criteria provided, single submitter. Criteria: Ambry Variant Classification Scheme 2023. Collection method: clinical testing. Allele origin: germline.

NM_001211.6(BUB1B):c.542A>G (p.Gln181Arg)

Gene: BUB1B (BUB1 mitotic checkpoint serine/threonine kinase B; plus strand). Cytogenetic location: 15q15.1.
Variant type: single nucleotide variant.
Coding change: c.542A>G on transcript NM_001211.6 (MANE Select); coding-DNA position 542, A replaced by G.
Protein change: p.Gln181Arg; replaces glutamine 181 with arginine.
Molecular consequence: missense variant.
Genome position (GRCh38, 1-based): chr15:40,176,634, A>G. VCF-style: chr15-40176634-A-G. GRCh37 (hg19) VCF-style: chr15-40468835-A-G.
Other names: short protein forms Q181R.
Identifiers: ClinVar variation 465378 (VCV000465378.16), dbSNP rs375798678, ClinGen allele CA7475499.